The following is an entry in ClinVar:

NM_012233.3(RAB3GAP1):c.2800C>G (p.Pro934Ala)

Gene: RAB3GAP1 (RAB3 GTPase activating protein catalytic subunit 1; plus strand). Cytogenetic location: 2q21.3.
Variant type: single nucleotide variant.
Coding change: c.2800C>G on transcript NM_012233.3 (MANE Select); coding-DNA position 2800, C replaced by G.
Protein change: p.Pro934Ala; replaces proline 934 with alanine.
Molecular consequence: missense variant.
Genome position (GRCh38, 1-based): chr2:135,168,635, C>G. VCF-style: chr2-135168635-C-G. GRCh37 (hg19) VCF-style: chr2-135926205-C-G.
Other names: c.2821C>G, p.Pro941Ala (NM_001172435.2); short protein forms P934A, P941A.
Identifiers: ClinVar variation 772447 (VCV000772447.16), dbSNP rs77535003, ClinGen allele CA1885199.
Genomic context (GRCh38, chr2:135,168,635, plus strand): 5'-TTGAAGAGAATGGGCTCCCCAGAGGAAAGAAGGCAGAACTCCGTGTCAGACTTCCCACCC[C>G]CTGCTGGCCGGGAATTCATTTTGCGCACCACTGTGCCGCGCCCTGCTCCCTACTCCAAAG-3'
Protein context (NP_036365.1, residues 924-944): RQNSVSDFPP[Pro934Ala]AGREFILRTT

ClinVar aggregate classification (germline): Benign/Likely benign. Review status: criteria provided, multiple submitters, no conflicts (2 of 4 stars). 4 submissions from 4 submitters: Benign (3); Likely benign (1). Last evaluated 2025-07-10.

Conditions:
Warburg micro syndrome 1 (WARBM1). Identifiers: Orphanet 2510, MedGen C1838625, MONDO:0010822, OMIM 600118.
Martsolf syndrome 2. Identifiers: MedGen C5543626, MONDO:0030376, OMIM 619420.

Allele frequency attached by ClinVar (database versions not stated): 1000 Genomes Project 0.00140; TOPMed 0.00072; 1000 Genomes Project 30x 0.00141.
gnomAD v4.1: 581 of 1,614,186 alleles (0.036%); highest among the groups gnomAD compares: East Asian, 0.66%; 3 homozygotes.

Submissions (4):

Labcorp Genetics (formerly Invitae), Labcorp
Classification: Benign. Last evaluated: 2025-07-10. Review status: criteria provided, single submitter. Criteria: Invitae Variant Classification Sherloc (09022015). Collection method: clinical testing. Allele origin: germline.

Department of Pathology and Laboratory Medicine, Sinai Health System
Classification: Likely benign for Warburg micro syndrome 1; Martsolf syndrome 2. Last evaluated: 2021-07-30. Review status: criteria provided, single submitter. Criteria: ACMG Guidelines, 2015. Collection method: research. Allele origin: germline.

GeneDx
Classification: Benign. Last evaluated: 2020-03-06. Review status: criteria provided, single submitter. Criteria: GeneDx Variant Classification Process June 2021. Collection method: clinical testing. Allele origin: germline. Affected: yes.

Illumina Laboratory Services, Illumina
Classification: Benign for Warburg micro syndrome 1. Last evaluated: 2017-04-27. Review status: criteria provided, single submitter. Criteria: ICSL Variant Classification Criteria 13 December 2019. Collection method: clinical testing. Allele origin: germline.
Comment: This variant was observed as part of a predisposition screen in an ostensibly healthy population. A literature search was performed for the gene, cDNA change, and amino acid change (where applicable). No publications were found based on this search. Allele frequency data from public databases was too high to be consistent with this variant causing disease. Therefore, this variant is classified as benign.